The following is an entry in ClinVar:

NM_007327.4(GRIN1):c.968+10dup

Gene: GRIN1 (glutamate ionotropic receptor NMDA type subunit 1; plus strand). Cytogenetic location: 9q34.3.
Variant type: Duplication.
Coding change: c.968+10dup on transcript NM_007327.4 (MANE Select); 10 bases into the intron after coding-DNA position 968, one base duplicated (G; older notation c.968+10dupG).
Molecular consequence: intron variant.
Genome position (GRCh38, 1-based): chr9:137,157,047, G duplicated; the last of 4 consecutive G bases (chr9:137,157,044-137,157,047); duplicating any one gives the same sequence. VCF-style (leftmost placement, unchanged base first): chr9-137157043-C-CG. GRCh37 (hg19) VCF-style: chr9-140051495-C-CG.
Other names: c.1031+10dup (NM_001185090.2, NM_001185091.2); c.968+10dup (NM_021569.4, NM_000832.7).
Identifiers: ClinVar variation 421255 (VCV000421255.50), dbSNP rs777548072, ClinGen allele CA5360787.
Genomic context (GRCh38, chr9:137,157,043, plus strand): 5'-CGCGGGGCTGCGTGGGCAACACCAACATCTGGAAGACCGGGCCGCTCTTCAAGAGGTGGG[C>CG]GGGGCCTCCCCGGAGCTGGGCGGGGCTGCTCTTGGGGAGGTGGGCGGGGTCACTCCAGAG-3'

ClinVar aggregate classification (germline): Conflicting classifications of pathogenicity. Review status: criteria provided, conflicting classifications (1 of 4 stars). 5 submissions from 5 submitters: Uncertain significance (1); Likely benign (4). Last evaluated 2025-10-24.

Conditions:
Neurodevelopmental disorder with or without hyperkinetic movements and seizures, autosomal dominant. Also called: Intellectual disability, autosomal dominant 8. Identifiers: MedGen C3280282, MONDO:0013655, OMIM 614254.
Intellectual disability. Also called: Intellectual functioning disability; intellectual disabilities; Intellectual developmental disorder. Identifiers: MedGen C3714756, MeSH D008607, MONDO:0001071, HP:0001249.

Submissions (5):

Labcorp Genetics (formerly Invitae), Labcorp
Classification: Likely benign for Neurodevelopmental disorder with or without hyperkinetic movements and seizures, autosomal dominant. Last evaluated: 2025-10-24. Review status: criteria provided, single submitter. Criteria: Invitae Variant Classification Sherloc (09022015). Collection method: clinical testing. Allele origin: germline.

Blueprint Genetics
Classification: Likely benign. Last evaluated: 2023-08-18. Review status: criteria provided, single submitter. Criteria: ACMG Guidelines, 2015. Collection method: clinical testing. Allele origin: germline.

CeGaT Center for Human Genetics Tuebingen
Classification: Likely benign. Last evaluated: 2020-07-01. Review status: criteria provided, single submitter. Criteria: CeGaT Center For Human Genetics Tuebingen Variant Classification Criteria Version 2. Collection method: clinical testing. Allele origin: germline. Affected: yes. Observed: 1 variant allele.

Cambridge Genomics Laboratory, East Genomic Laboratory Hub, NHS Genomic Medicine Service
Classification: Uncertain significance for Intellectual disability. Last evaluated: 2020-02-11. Review status: criteria provided, single submitter. Criteria: ACGS Best Practice Guidelines for Variant Classification in Rare Disease 2020. Collection method: clinical testing. Allele origin: germline. Affected: yes. Observed: 1 variant allele.

GeneDx
Classification: Likely benign. Last evaluated: 2017-10-06. Review status: criteria provided, single submitter. Criteria: GeneDx Variant Classification (06012015). Collection method: clinical testing. Allele origin: germline. Affected: yes.
Comment: This variant is considered likely benign or benign based on one or more of the following criteria: it is a conservative change, it occurs at a poorly conserved position in the protein, it is predicted to be benign by multiple in silico algorithms, and/or has population frequency not consistent with disease.